The following is an entry in ClinVar:

NM_005220.3(DLX3):c.*60G>A

Gene: DLX3 (distal-less homeobox 3; minus strand). Cytogenetic location: 17q21.33.
Variant type: single nucleotide variant.
Coding change: c.*60G>A on transcript NM_005220.3 (MANE Select); 60 bases downstream of the stop codon, G replaced by A.
Molecular consequence: 3 prime UTR variant.
Genome position (GRCh38, 1-based): chr17:49,991,457, C>T on the plus strand (G>A on the coding strand, the complement: DLX3 is on the minus strand). VCF-style: chr17-49991457-C-T. GRCh37 (hg19) VCF-style: chr17-48068821-C-T.
Identifiers: ClinVar variation 892356 (VCV000892356.5), dbSNP rs3744540, ClinGen allele CA291505752.
Genomic context (GRCh38, chr17:49,991,457, plus strand): 5'-GGGAGGGGGAAAGGGAGTTCCTTTTCCCTGTGCTCCTCGATGATTCCTGAGTGGCTAGGA[C>T]GGAGGCGCCTTCTGCCTGGTCCTGGGGTCCTTTGTCAAGGGTGCAGGCCAGATGGGTGCT-3'

ClinVar aggregate classification (germline): Benign. Review status: criteria provided, multiple submitters, no conflicts (2 of 4 stars). 2 submissions from 2 submitters: Benign (2). Last evaluated 2018-01-12.

Conditions:
Hypomaturation-hypoplastic amelogenesis imperfecta with taurodontism. Also called: Amelogenesis imperfecta, type IV. Identifiers: Orphanet 100034, Orphanet 88661, MedGen C1863012, MONDO:0007093, OMIM 104510. Disease mechanism: loss of function.

Allele frequency attached by ClinVar (database versions not stated): gnomAD exomes 0.00024; gnomAD 0.00029 and 0.00042; TOPMed 0.00049; 1000 Genomes Project 30x 0.00219; 1000 Genomes Project 0.00240.
gnomAD v4.1: 383 of 1,423,588 alleles (0.027%); highest among the groups gnomAD compares: East Asian, 0.59%; 2 homozygotes.

Submissions (2):

Illumina Laboratory Services, Illumina
Classification: Benign for Hypomaturation-hypoplastic amelogenesis imperfecta with taurodontism. Last evaluated: 2018-01-12. Review status: criteria provided, single submitter. Criteria: ICSL Variant Classification Criteria 13 December 2019. Collection method: clinical testing. Allele origin: germline.
Comment: This variant was observed in the ICSL laboratory as part of a predisposition screen in an ostensibly healthy population. It had not been previously curated by ICSL or reported in the Human Gene Mutation Database (HGMD: prior to June 1st, 2018), and was therefore a candidate for classification through an automated scoring system. Utilizing variant allele frequency, disease prevalence and penetrance estimates, and inheritance mode, an automated score was calculated to assess if this variant is too frequent to cause the disease. Based on the score and internal cut-off values, a variant classified as benign is not then subjected to further curation. The score for this variant resulted in a classification of benign for this disease.

Breakthrough Genomics
Classification: Benign. Review status: criteria provided, single submitter. Criteria: ACMG Guidelines, 2015. Collection method: not provided. Allele origin: germline. Inheritance: Autosomal dominant inheritance. Affected: yes.